The following is an entry in ClinVar:

NM_006767.4(LZTR1):c.866TGG[1] (p.Val290del)

Gene: LZTR1 (leucine zipper like post translational regulator 1; plus strand). Cytogenetic location: 22q11.21.
Variant type: Microsatellite.
Coding change: c.866TGG[1] on transcript NM_006767.4 (MANE Select); one copy of the 3-base unit TGG starting at c.866; the reference has two copies in a row; one copy, 3 bases deleted.
Protein change: p.Val290del; deletes valine 290.
Molecular consequence: inframe deletion.
Genome position (GRCh38, 1-based): chr22:20,991,705-20,991,707, TGG deleted; deleting any 3 consecutive bases within chr22:20,991,702-20,991,707 gives the same sequence; the position shown is the placement nearest the transcript's 3' end. VCF-style (leftmost placement, unchanged base first): chr22-20991701-ATGG-A. GRCh37 (hg19) VCF-style: chr22-21345990-ATGG-A.
Other names: short protein forms V290del.
Identifiers: ClinVar variation 1937627 (VCV001937627.5), dbSNP rs2518617131, ClinGen allele CA2580615256.

ClinVar aggregate classification (germline): Uncertain significance (1 of 4 stars; one submission).

Submission:

Labcorp Genetics (formerly Invitae), Labcorp
Classification: Uncertain significance. Last evaluated: 2023-07-10. Review status: criteria provided, single submitter. Criteria: Invitae Variant Classification Sherloc (09022015). Collection method: clinical testing. Allele origin: germline.
Comment: In summary, the available evidence is currently insufficient to determine the role of this variant in disease. Therefore, it has been classified as a Variant of Uncertain Significance. Experimental studies and prediction algorithms are not available or were not evaluated, and the functional significance of this variant is currently unknown. This variant has not been reported in the literature in individuals affected with LZTR1-related conditions. This variant is not present in population databases (gnomAD no frequency). This variant, c.869_871del, results in the deletion of 1 amino acid(s) of the LZTR1 protein (p.Val290del), but otherwise preserves the integrity of the reading frame.